The following is an entry in ClinVar:

ClinVar aggregate classification (germline): Benign. Review status: criteria provided, multiple submitters, no conflicts (2 of 4 stars). 5 submissions from 5 submitters: Benign (5). Last evaluated 2026-01-24.

Allele frequency attached by ClinVar (database versions not stated): gnomAD exomes 0.00181; ExAC 0.00289; 1000 Genomes Project 0.00719; 1000 Genomes Project 30x 0.00750; gnomAD 0.00759 and 0.00829; ESP Exome Variant Server 0.00839; TOPMed 0.00852.

Submissions (5):

Labcorp Genetics (formerly Invitae), Labcorp
Classification: Benign. Last evaluated: 2026-01-24. Review status: criteria provided, single submitter. Criteria: Invitae Variant Classification Sherloc (09022015). Collection method: clinical testing. Allele origin: germline.

CeGaT Center for Human Genetics Tuebingen
Classification: Benign. Last evaluated: 2025-12-01. Review status: criteria provided, single submitter. Criteria: CeGaT Center For Human Genetics Tuebingen Variant Classification Criteria Version 2. Collection method: clinical testing. Allele origin: germline. Affected: yes. Observed: 2 variant alleles.
Comment: COQ6: BS1, BS2

Mayo Clinic Laboratories, Mayo Clinic
Classification: Benign. Last evaluated: 2022-08-04. Review status: criteria provided, single submitter. Criteria: ACMG Guidelines, 2015. Collection method: clinical testing. Allele origin: germline. Observed: 18 variant alleles.
Comment: BS1, BS2, BP4

GeneDx
Classification: Benign. Last evaluated: 2013-12-30. Review status: criteria provided, single submitter. Criteria: GeneDx Variant Classification (06012015). Collection method: clinical testing. Allele origin: germline. Affected: yes.
Comment: This variant is considered likely benign or benign based on one or more of the following criteria: it is a conservative change, it occurs at a poorly conserved position in the protein, it is predicted to be benign by multiple in silico algorithms, and/or has population frequency not consistent with disease.

Breakthrough Genomics
Classification: Benign. Review status: criteria provided, single submitter. Criteria: ACMG Guidelines, 2015. Collection method: not provided. Allele origin: germline. Inheritance: Autosomal recessive inheritance. Affected: yes.

NM_182476.3(COQ6):c.145G>T (p.Ala49Ser)

Gene: COQ6 (coenzyme Q6, monooxygenase; plus strand). Cytogenetic location: 14q24.3.
Variant type: single nucleotide variant.
Coding change: c.145G>T on transcript NM_182476.3 (MANE Select); coding-DNA position 145, G replaced by T.
Protein change: p.Ala49Ser; replaces alanine 49 with serine.
Molecular consequence: missense variant. On other transcripts: intron variant (1).
Genome position (GRCh38, 1-based): chr14:73,950,477, G>T. VCF-style: chr14-73950477-G-T. GRCh37 (hg19) VCF-style: chr14-74417180-G-T.
Other names: p.A49S:GCC>TCC; p.Ala49Ser; c.88+297G>T (NM_182480.3); short protein forms A49S.
Identifiers: ClinVar variation 214231 (VCV000214231.20), dbSNP rs61743884, ClinGen allele CA322968.